The following is an entry in ClinVar:

NM_198525.3(KIF7):c.3874G>A (p.Glu1292Lys)

Gene: KIF7 (kinesin family member 7; minus strand). Cytogenetic location: 15q26.1.
Variant type: single nucleotide variant.
Coding change: c.3874G>A on transcript NM_198525.3 (MANE Select); coding-DNA position 3874, G replaced by A.
Protein change: p.Glu1292Lys; replaces glutamic acid 1292 with lysine.
Molecular consequence: missense variant.
Genome position (GRCh38, 1-based): chr15:89,628,577, C>T on the plus strand (G>A on the coding strand, the complement: KIF7 is on the minus strand). VCF-style: chr15-89628577-C-T. GRCh37 (hg19) VCF-style: chr15-90171808-C-T.
Other names: short protein forms E1292K.
Identifiers: ClinVar variation 1005771 (VCV001005771.7), dbSNP rs1044478234, ClinGen allele CA274562742.

ClinVar aggregate classification (germline): Uncertain significance. Review status: criteria provided, multiple submitters, no conflicts (2 of 4 stars). 2 submissions from 2 submitters: Uncertain significance (2). Last evaluated 2024-05-09.

Conditions:
Acrocallosal syndrome (ACLS). Also called: HALLUX DUPLICATION, POSTAXIAL POLYDACTYLY, AND ABSENCE OF CORPUS CALLOSUM; Schinzel syndrome 1; Absence of corpus callosum with unusual facial appearance, mental deficiency, duplication of the halluces and polydactyly. Identifiers: Orphanet 36, MedGen C0796147, MONDO:0008708, OMIM 200990.
Multiple epiphyseal dysplasia, Al-Gazali type. Also called: Macrocephaly with multiple epiphyseal dysplasia and distinctive facies. Identifiers: Orphanet 166024, MedGen C1846722, MONDO:0011778, OMIM 607131.
Hydrolethalus syndrome 2 (HLS2). Identifiers: Orphanet 2189, MedGen C3279899, MONDO:0013585, OMIM 614120.

Allele frequency attached by ClinVar (database versions not stated): gnomAD exomes 0.00001; TOPMed 0.00002.
gnomAD v4.1: 4 of 1,613,550 alleles (0.00025%); highest among the groups gnomAD compares: Admixed American, 0.0033%; no homozygotes.

Submissions (2):

Fulgent Genetics
Classification: Uncertain significance for Acrocallosal syndrome; Multiple epiphyseal dysplasia, Al-Gazali type; Hydrolethalus syndrome 2. Last evaluated: 2024-05-09. Review status: criteria provided, single submitter. Criteria: ACMG Guidelines, 2015. Collection method: clinical testing. Allele origin: germline.

Labcorp Genetics (formerly Invitae), Labcorp
Classification: Uncertain significance for Acrocallosal syndrome. Last evaluated: 2023-07-17. Review status: criteria provided, single submitter. Criteria: Invitae Variant Classification Sherloc (09022015). Collection method: clinical testing. Allele origin: germline.
Comment: In summary, the available evidence is currently insufficient to determine the role of this variant in disease. Therefore, it has been classified as a Variant of Uncertain Significance. Advanced modeling of protein sequence and biophysical properties (such as structural, functional, and spatial information, amino acid conservation, physicochemical variation, residue mobility, and thermodynamic stability) performed at Invitae indicates that this missense variant is not expected to disrupt KIF7 protein function. This sequence change replaces glutamic acid, which is acidic and polar, with lysine, which is basic and polar, at codon 1292 of the KIF7 protein (p.Glu1292Lys). This variant is present in population databases (no rsID available, gnomAD 0.006%). This variant has not been reported in the literature in individuals affected with KIF7-related conditions. ClinVar contains an entry for this variant (Variation ID: 1005771).